The following is an entry in ClinVar:

NM_001203.3(BMPR1B):c.71C>T (p.Thr24Ile)

Gene: BMPR1B (bone morphogenetic protein receptor type 1B; plus strand). Cytogenetic location: 4q22.3.
Variant type: single nucleotide variant.
Coding change: c.71C>T on transcript NM_001203.3 (MANE Select); coding-DNA position 71, C replaced by T.
Protein change: p.Thr24Ile; replaces threonine 24 with isoleucine.
Molecular consequence: missense variant.
Genome position (GRCh38, 1-based): chr4:95,104,495, C>T. VCF-style: chr4-95104495-C-T. GRCh37 (hg19) VCF-style: chr4-96025646-C-T.
Other names: c.71C>T, p.Thr24Ile (NM_001256792.2, NM_001256794.1); c.161C>T, p.Thr54Ile (NM_001256793.2); short protein forms T24I, T54I.
Identifiers: ClinVar variation 1298345 (VCV001298345.1), dbSNP rs912115035, ClinGen allele CA102312445.

ClinVar aggregate classification (germline): Uncertain significance (1 of 4 stars; one submission).

Conditions:
Type A2 brachydactyly (BDA2). Also called: Brachymesophalangy type 2; BRACHYMESOPHALANGY II; MOHR-WRIEDT TYPE BRACHYDACTYLY. Identifiers: Orphanet 93396, MedGen C1832702, MONDO:0007216, OMIM 112600, HP:0009372.
Brachydactyly type A1D. Also called: Brachydactyly, type a1, d. Identifiers: Orphanet 93388, MedGen C4225183, MONDO:0014798, OMIM 616849.

Allele frequency attached by ClinVar (database versions not stated): TOPMed below 0.00001.
gnomAD v4.1: 2 of 1,613,322 alleles (0.00012%); highest among the groups gnomAD compares: South Asian, 0.0011%; no homozygotes.

Submission:

Breda Genetics srl
Classification: Uncertain significance for Brachydactyly type A1D; Type A2 brachydactyly. Last evaluated: 2019-06-26. Review status: criteria provided, single submitter. Criteria: ACMG Guidelines, 2015. Collection method: clinical testing. Allele origin: germline. Inheritance: Autosomal dominant inheritance. Affected: yes. Observed: 1 variant allele, 1 heterozygote.
Comment: Based on allele frequency, in-silico prediction scores and a certain overlap with the clinical phenotype, we interpreted this variant at least as of uncertain significance. The lack of one or more of the following features has discouraged further investigations: lack of a possible second hit in autosomal recessive conditions, presence of healthy controls in databases for autosomal dominant conditions, presence of unmatching cardinal clinical features in the patient or in the known gene-disease association, and/or variant type outside the known gene mutational spectrum.